The following is an entry in ClinVar:

NM_024306.5(FA2H):c.965C>T (p.Ser322Leu)

Gene: FA2H (fatty acid 2-hydroxylase; minus strand). Cytogenetic location: 16q23.1.
Variant type: single nucleotide variant.
Coding change: c.965C>T on transcript NM_024306.5 (MANE Select); coding-DNA position 965, C replaced by T.
Protein change: p.Ser322Leu; replaces serine 322 with leucine.
Molecular consequence: missense variant.
Genome position (GRCh38, 1-based): chr16:74,716,421, G>A on the plus strand (C>T on the coding strand, the complement: FA2H is on the minus strand). VCF-style: chr16-74716421-G-A. GRCh37 (hg19) VCF-style: chr16-74750319-G-A.
Other names: short protein forms S322L.
Identifiers: ClinVar variation 961888 (VCV000961888.15), dbSNP rs373010581, ClinGen allele CA8170345.

ClinVar aggregate classification (germline): Conflicting classifications of pathogenicity. Review status: criteria provided, conflicting classifications (1 of 4 stars). 6 submissions from 6 submitters: Likely pathogenic (1); Uncertain significance (5). Last evaluated 2024-08-23.

Conditions:
Spastic paraplegia. Identifiers: MedGen C0037772, HP:0001258.
Hereditary spastic paraplegia 35. Also called: SPASTIC PARAPLEGIA 35, AUTOSOMAL RECESSIVE, WITH OR WITHOUT NEURODEGENERATION; Spastic paraplegia 35; Spastic paraplegia 35, autosomal recessive; LEUKODYSTROPHY, DYSMYELINATING, AND SPASTIC PARAPARESIS WITH OR WITHOUT DYSTONIA. Identifiers: Orphanet 171629, MedGen C3496228, MONDO:0012866, OMIM 612319.
Spastic ataxia. Identifiers: Orphanet 316226, MedGen C1849156, MONDO:0017845, HP:0002497.

Allele frequency attached by ClinVar (database versions not stated): gnomAD 0.00001 and 0.00002; gnomAD exomes 0.00002 and 0.00006; TOPMed 0.00002; ExAC 0.00005; ESP Exome Variant Server 0.00008.
gnomAD v4.1: 31 of 1,614,012 alleles (0.0019%); highest among the groups gnomAD compares: South Asian, 0.011%; no homozygotes.

Submissions (6):

Blueprint Genetics
Classification: Uncertain significance. Last evaluated: 2024-08-23. Review status: criteria provided, single submitter. Criteria: ACMG Guidelines, 2015. Collection method: clinical testing. Allele origin: germline.

GeneDx
Classification: Uncertain significance. Last evaluated: 2024-05-30. Review status: criteria provided, single submitter. Criteria: GeneDx Variant Classification Process June 2021. Collection method: clinical testing. Allele origin: germline. Affected: yes.
Comment: Reported previously as a variant of uncertain significance in a patient with late onset sporadic spinocerebellar ataxia who also harbored a likely pathogenic variant in a different gene (PMID: 34445196); In silico analysis supports that this missense variant has a deleterious effect on protein structure/function; This variant is associated with the following publications: (PMID: 24359114, 34445196)

Women's Health and Genetics/Laboratory Corporation of America, LabCorp
Classification: Uncertain significance. Last evaluated: 2023-02-14. Review status: criteria provided, single submitter. Criteria: LabCorp Variant Classification Summary - May 2015. Collection method: clinical testing. Allele origin: germline.
Comment: Variant summary: FA2H c.965C>T (p.Ser322Leu) results in a non-conservative amino acid change located in the Fatty acid hydroxylase domain (IPR006694) of the encoded protein sequence. Five of five in-silico tools predict a damaging effect of the variant on protein function. The variant allele was found at a frequency of 6e-05 in 251338 control chromosomes (gnomAD). This frequency is not significantly higher than estimated for a pathogenic variant in FA2H causing Neurodegeneration With Brain Iron Accumulation (6e-05 vs 0.00019), allowing no conclusion about variant significance. c.965C>T has been reported in the literature in one heterozygous individual affected with ataxia (Galatolo_2021). This report does not provide unequivocal conclusions about association of the variant with Neurodegeneration With Brain Iron Accumulation. To our knowledge, no experimental evidence demonstrating an impact on protein function has been reported. Three ClinVar submitters have assessed the variant since 2014: one classified the variant as likely pathogenic and two as uncertain significance. Based on the evidence outlined above, the variant was classified as uncertain significance.

Labcorp Genetics (formerly Invitae), Labcorp
Classification: Uncertain significance for Spastic paraplegia. Last evaluated: 2022-11-08. Review status: criteria provided, single submitter. Criteria: Invitae Variant Classification Sherloc (09022015). Collection method: clinical testing. Allele origin: germline.
Comment: This sequence change replaces serine, which is neutral and polar, with leucine, which is neutral and non-polar, at codon 322 of the FA2H protein (p.Ser322Leu). In summary, the available evidence is currently insufficient to determine the role of this variant in disease. Therefore, it has been classified as a Variant of Uncertain Significance. Advanced modeling of protein sequence and biophysical properties (such as structural, functional, and spatial information, amino acid conservation, physicochemical variation, residue mobility, and thermodynamic stability) has been performed at Invitae for this missense variant, however the output from this modeling did not meet the statistical confidence thresholds required to predict the impact of this variant on FA2H protein function. ClinVar contains an entry for this variant (Variation ID: 961888). This variant has not been reported in the literature in individuals affected with FA2H-related conditions. This variant is present in population databases (rs373010581, gnomAD 0.02%).

Molecular Medicine for Neurodegenerative and Neuromuscular Diseases Unit, IRCCS Fondazione Stella Maris
Classification: Likely pathogenic for Spastic ataxia. Last evaluated: 2021-07-12. Review status: criteria provided, single submitter. Criteria: ACMG Guidelines, 2015. Collection method: research. Allele origin: unknown. Affected: yes.

Victorian Clinical Genetics Services, Murdoch Childrens Research Institute
Classification: Uncertain significance for Hereditary spastic paraplegia 35. Last evaluated: 2019-08-28. Review status: criteria provided, single submitter. Criteria: ACMG Guidelines, 2015. Collection method: clinical testing. Allele origin: germline. Inheritance: Autosomal recessive inheritance.
Comment: A heterozygous missense variant was identified, NM_024306.4(FA2H):c.965C>T in exon 6 of 7 of the FA2H gene. This substitution is predicted to create a major amino acid change from serine to leucine at position 322 of the protein, NP_077282.3(FA2H):p.(Ser322Leu). The serine at this position has very high conservation (100 vertebrates, UCSC), and is located within the fatty acid hydroxylase superfamily domain. In silico software predicts this variant to be disease causing (Polyphen, SIFT, CADD, Mutation Taster). The variant is present in the gnomAD population database at a frequency of 0.0060% (15 heterozygotes, 0 homozygotes). The variant has been not been previously reported in a clinical testing setting. Based on information available at the time of curation, this variant has been classified as a VARIANT of UNCERTAIN SIGNIFICANCE (VUS).

Literature cited by the submitters: PubMed 34445196 (cited by Women's Health and Genetics/Laboratory Corporation of America, LabCorp).